The following is an entry in ClinVar:

ClinVar aggregate classification (germline): Uncertain significance (1 of 4 stars; one submission).

Allele frequency attached by ClinVar (database versions not stated): gnomAD exomes below 0.00001.
gnomAD v4.1: 1 of 1,607,524 alleles (0.000062%); highest among the groups gnomAD compares: Non-Finnish European, 0.000085%; no homozygotes.

Submission:

Labcorp Genetics (formerly Invitae), Labcorp
Classification: Uncertain significance. Last evaluated: 2022-10-26. Review status: criteria provided, single submitter. Criteria: Invitae Variant Classification Sherloc (09022015). Collection method: clinical testing. Allele origin: germline.
Comment: In summary, the available evidence is currently insufficient to determine the role of this variant in disease. Therefore, it has been classified as a Variant of Uncertain Significance. Advanced modeling of protein sequence and biophysical properties (such as structural, functional, and spatial information, amino acid conservation, physicochemical variation, residue mobility, and thermodynamic stability) performed at Invitae indicates that this missense variant is expected to disrupt KMT2E protein function. This variant has not been reported in the literature in individuals affected with KMT2E-related conditions. This variant is not present in population databases (gnomAD no frequency). This sequence change replaces threonine, which is neutral and polar, with isoleucine, which is neutral and non-polar, at codon 869 of the KMT2E protein (p.Thr869Ile).

NM_182931.3(KMT2E):c.2606C>T (p.Thr869Ile)

Gene: KMT2E (lysine methyltransferase 2E (inactive); plus strand). Cytogenetic location: 7q22.3.
Variant type: single nucleotide variant.
Coding change: c.2606C>T on transcript NM_182931.3 (MANE Select); coding-DNA position 2606, C replaced by T.
Protein change: p.Thr869Ile; replaces threonine 869 with isoleucine.
Molecular consequence: missense variant.
Genome position (GRCh38, 1-based): chr7:105,106,531, C>T. VCF-style: chr7-105106531-C-T. GRCh37 (hg19) VCF-style: chr7-104746978-C-T.
Other names: c.2606C>T, p.Thr869Ile (NM_001410908.1, NM_018682.4); short protein forms T869I.
Identifiers: ClinVar variation 1720470 (VCV001720470.5), dbSNP rs2536505926, ClinGen allele CA368787223.